The following is an entry in ClinVar:

NM_001458.5(FLNC):c.1205C>T (p.Thr402Ile)

Gene: FLNC (filamin C; plus strand). Cytogenetic location: 7q32.1.
Variant type: single nucleotide variant.
Coding change: c.1205C>T on transcript NM_001458.5 (MANE Select); coding-DNA position 1205, C replaced by T.
Protein change: p.Thr402Ile; replaces threonine 402 with isoleucine.
Molecular consequence: missense variant.
Genome position (GRCh38, 1-based): chr7:128,838,424, C>T. VCF-style: chr7-128838424-C-T. GRCh37 (hg19) VCF-style: chr7-128478478-C-T.
Other names: c.1205C>T, p.Thr402Ile (NM_001127487.2); short protein forms T402I.
Identifiers: ClinVar variation 852984 (VCV000852984.16), dbSNP rs374757755, ClinGen allele CA4474256.

ClinVar aggregate classification (germline): Conflicting classifications of pathogenicity. Review status: criteria provided, conflicting classifications (1 of 4 stars). 4 submissions from 4 submitters: Uncertain significance (2); Likely benign (2). Last evaluated 2025-11-24.

Conditions:
Cardiovascular phenotype. Identifiers: MedGen CN230736.
Distal myopathy with posterior leg and anterior hand involvement. Also called: WILLIAMS DISTAL MYOPATHY. Identifiers: Orphanet 63273, MedGen C3279722, MONDO:0013550, OMIM 614065.
Myofibrillar myopathy 5. Also called: Filaminopathy (type); FILAMINOPATHY, AUTOSOMAL DOMINANT. Identifiers: Orphanet 171445, MedGen C1836050, MONDO:0012289, OMIM 609524.
Hypertrophic cardiomyopathy 26. Also called: Cardiomyopathy, familial hypertrophic, 26. Identifiers: Orphanet 75249, MedGen C4310749, MONDO:0014883, OMIM 617047.

Allele frequency attached by ClinVar (database versions not stated): gnomAD exomes 0.00002 and 0.00003; ExAC 0.00003; ESP Exome Variant Server 0.00008; gnomAD 0.00009; TOPMed 0.00009.
gnomAD v4.1: 43 of 1,611,248 alleles (0.0027%); highest among the groups gnomAD compares: African/African-American, 0.033%; no homozygotes.

Submissions (4):

Labcorp Genetics (formerly Invitae), Labcorp
Classification: Likely benign for Distal myopathy with posterior leg and anterior hand involvement; Myofibrillar myopathy 5; Hypertrophic cardiomyopathy 26. Last evaluated: 2025-11-24. Review status: criteria provided, single submitter. Criteria: Invitae Variant Classification Sherloc (09022015). Collection method: clinical testing. Allele origin: germline.

Ambry Genetics
Classification: Uncertain significance for Cardiovascular phenotype. Last evaluated: 2025-01-30. Review status: criteria provided, single submitter. Criteria: Ambry Variant Classification Scheme 2023. Collection method: clinical testing. Allele origin: germline.
Comment: The p.T402I variant (also known as c.1205C>T), located in coding exon 7 of the FLNC gene, results from a C to T substitution at nucleotide position 1205. The threonine at codon 402 is replaced by isoleucine, an amino acid with similar properties. This amino acid position is highly conserved in available vertebrate species. In addition, this alteration is predicted to be deleterious by in silico analysis. Based on the available evidence, the clinical significance of this variant remains unclear.

Fulgent Genetics
Classification: Uncertain significance for Myofibrillar myopathy 5; Distal myopathy with posterior leg and anterior hand involvement; Hypertrophic cardiomyopathy 26. Last evaluated: 2024-03-19. Review status: criteria provided, single submitter. Criteria: ACMG Guidelines, 2015. Collection method: clinical testing. Allele origin: germline.

Blueprint Genetics
Classification: Likely benign. Last evaluated: 2024-02-28. Review status: criteria provided, single submitter. Criteria: ACMG Guidelines, 2015. Collection method: clinical testing. Allele origin: germline.